The following is an entry in ClinVar:

ClinVar aggregate classification (germline): Benign/Likely benign. Review status: criteria provided, multiple submitters, no conflicts (2 of 4 stars). 7 submissions from 7 submitters: Benign (4); Likely benign (1). 2 of the submissions do not count toward it. Last evaluated 2026-02-01.

Conditions:
Atypical hemolytic-uremic syndrome with I factor anomaly. Also called: HEMOLYTIC UREMIC SYNDROME, ATYPICAL, SUSCEPTIBILITY TO, 3; AHUS, SUSCEPTIBILITY TO, 3. Identifiers: Orphanet 2134, MedGen C2752039, MONDO:0013041, OMIM 612923.

Allele frequency attached by ClinVar (database versions not stated): gnomAD exomes 0.00222 and 0.00456; ExAC 0.00481; 1000 Genomes Project 0.01118; gnomAD 0.01266 and 0.01365; TOPMed 0.01384; ESP Exome Variant Server 0.01469.

Submissions (7):

Labcorp Genetics (formerly Invitae), Labcorp
Classification: Benign. Last evaluated: 2026-02-01. Review status: criteria provided, single submitter. Criteria: Invitae Variant Classification Sherloc (09022015). Collection method: clinical testing. Allele origin: germline.

Women's Health and Genetics/Laboratory Corporation of America, LabCorp
Classification: Benign. Last evaluated: 2026-01-22. Review status: criteria provided, single submitter. Criteria: LabCorp Variant Classification Summary - May 2015. Collection method: clinical testing. Allele origin: germline.

Blueprint Genetics
Classification: Likely benign. Last evaluated: 2024-11-25. Review status: criteria provided, single submitter. Criteria: ACMG Guidelines, 2015. Collection method: clinical testing. Allele origin: germline.

Illumina Laboratory Services, Illumina
Classification: Benign for Atypical hemolytic-uremic syndrome with I factor anomaly. Last evaluated: 2018-01-13. Review status: criteria provided, single submitter. Criteria: ICSL Variant Classification Criteria 13 December 2019. Collection method: clinical testing. Allele origin: germline.
Comment: This variant was observed in the ICSL laboratory as part of a predisposition screen in an ostensibly healthy population. It had not been previously curated by ICSL or reported in the Human Gene Mutation Database (HGMD: prior to June 1st, 2018), and was therefore a candidate for classification through an automated scoring system. Utilizing variant allele frequency, disease prevalence and penetrance estimates, and inheritance mode, an automated score was calculated to assess if this variant is too frequent to cause the disease. Based on the score and internal cut-off values, a variant classified as benign is not then subjected to further curation. The score for this variant resulted in a classification of benign for this disease.

Breakthrough Genomics
Classification: Benign. Review status: criteria provided, single submitter. Criteria: ACMG Guidelines, 2015. Collection method: not provided. Allele origin: germline. Inheritance: Autosomal recessive inheritance. Affected: yes.

Genome Diagnostics Laboratory, University Medical Center Utrecht
Classification: Benign. Review status: no assertion criteria provided. Collection method: clinical testing. Allele origin: germline. Affected: yes. Study: VKGL Data-share Consensus. Not counted in ClinVar's aggregate classification.

Joint Genome Diagnostic Labs from Nijmegen and Maastricht, Radboudumc and MUMC+
Classification: Likely benign. Review status: no assertion criteria provided. Collection method: clinical testing. Allele origin: germline. Affected: yes. Study: VKGL Data-share Consensus. Not counted in ClinVar's aggregate classification.

NM_000204.5(CFI):c.482+14T>A

Gene: CFI (complement factor I; minus strand). Cytogenetic location: 4q25.
Variant type: single nucleotide variant.
Coding change: c.482+14T>A on transcript NM_000204.5 (MANE Select); 14 bases into the intron after coding-DNA position 482, T replaced by A.
Molecular consequence: intron variant.
Genome position (GRCh38, 1-based): chr4:109,764,523, A>T on the plus strand (T>A on the coding strand, the complement: CFI is on the minus strand). VCF-style: chr4-109764523-A-T. GRCh37 (hg19) VCF-style: chr4-110685679-A-T.
Other names: c.482+14T>A (NM_001375282.1, NM_001375280.1, NM_001375281.1 and 5 more transcripts); c.-127-2831T>A (NM_001375284.1).
Identifiers: ClinVar variation 347170 (VCV000347170.18), dbSNP rs76014294, ClinGen allele CA3042259.